The following is an entry in ClinVar:

NM_000038.6(APC):c.6107A>G (p.Asp2036Gly)

Gene: APC (APC regulator of Wnt signaling pathway; plus strand). Cytogenetic location: 5q22.2.
Variant type: single nucleotide variant.
Coding change: c.6107A>G on transcript NM_000038.6 (MANE Select); coding-DNA position 6107, A replaced by G.
Protein change: p.Asp2036Gly; replaces aspartic acid 2036 with glycine.
Molecular consequence: missense variant.
Genome position (GRCh38, 1-based): chr5:112,841,701, A>G. VCF-style: chr5-112841701-A-G. GRCh37 (hg19) VCF-style: chr5-112177398-A-G.
Other names: c.6107A>G, p.Asp2036Gly (NM_001127510.3, NM_001354895.2); c.6053A>G, p.Asp2018Gly (NM_001127511.3); c.6161A>G, p.Asp2054Gly (NM_001354896.2); c.6137A>G, p.Asp2046Gly (NM_001354897.2); c.6032A>G, p.Asp2011Gly (NM_001354898.2); c.6023A>G, p.Asp2008Gly (NM_001354899.2); c.5984A>G, p.Asp1995Gly (NM_001354900.2); c.5930A>G, p.Asp1977Gly (NM_001354901.2); and 5 more; short protein forms D1977G, D2008G, D2018G, D2046G, D1753G, D1935G, D1910G, D1995G.
Identifiers: ClinVar variation 848135 (VCV000848135.11), dbSNP rs1766135579, ClinGen allele CA16034700.

ClinVar aggregate classification (germline): Uncertain significance (1 of 4 stars; one submission).

Conditions:
Familial adenomatous polyposis 1 (FAP1). Also called: FAMILIAL ADENOMATOUS POLYPOSIS 1, ATTENUATED; POLYPOSIS, ADENOMATOUS INTESTINAL. Identifiers: MedGen C2713442, MONDO:0021056, OMIM 175100. Disease mechanism: loss of function.

Submission:

Labcorp Genetics (formerly Invitae), Labcorp
Classification: Uncertain significance for Familial adenomatous polyposis 1. Last evaluated: 2022-12-02. Review status: criteria provided, single submitter. Criteria: Invitae Variant Classification Sherloc (09022015). Collection method: clinical testing. Allele origin: germline.
Comment: This sequence change replaces aspartic acid, which is acidic and polar, with glycine, which is neutral and non-polar, at codon 2036 of the APC protein (p.Asp2036Gly). In summary, the available evidence is currently insufficient to determine the role of this variant in disease. Therefore, it has been classified as a Variant of Uncertain Significance. Advanced modeling of protein sequence and biophysical properties (such as structural, functional, and spatial information, amino acid conservation, physicochemical variation, residue mobility, and thermodynamic stability) performed at Invitae indicates that this missense variant is not expected to disrupt APC protein function. ClinVar contains an entry for this variant (Variation ID: 848135). This variant has not been reported in the literature in individuals affected with APC-related conditions. This variant is not present in population databases (gnomAD no frequency).